The following is an entry in ClinVar:

NM_012200.4(B3GAT3):c.31G>A (p.Ala11Thr)

Gene: B3GAT3 (beta-1,3-glucuronyltransferase 3; minus strand). Cytogenetic location: 11q12.3.
Variant type: single nucleotide variant.
Coding change: c.31G>A on transcript NM_012200.4 (MANE Select); coding-DNA position 31, G replaced by A.
Protein change: p.Ala11Thr; replaces alanine 11 with threonine.
Molecular consequence: missense variant. On other transcripts: 5 prime UTR variant (1), non-coding transcript variant (1).
Genome position (GRCh38, 1-based): chr11:62,621,917, C>T on the plus strand (G>A on the coding strand, the complement: B3GAT3 is on the minus strand). VCF-style: chr11-62621917-C-T. GRCh37 (hg19) VCF-style: chr11-62389389-C-T.
Other names: c.-230G>A (NM_001288721.2); c.31G>A, p.Ala11Thr (NM_001288722.2, NM_001288723.2); short protein forms A11T.
Identifiers: ClinVar variation 1397741 (VCV001397741.8), dbSNP rs1436324851, ClinGen allele CA380982000.

ClinVar aggregate classification (germline): Uncertain significance (1 of 4 stars; one submission).

Conditions:
Larsen-like syndrome, B3GAT3 type. Also called: Multiple joint dislocations, short stature, craniofacial dysmorphism, with or without congenital heart defects; MULTIPLE JOINT DISLOCATIONS, SHORT STATURE, AND CRANIOFACIAL DYSMORPHISM WITH OR WITHOUT CONGENITAL HEART DEFECTS. Identifiers: Orphanet 284139, MedGen CN034159, MONDO:0009511, OMIM 245600.

gnomAD v4.1: 1 of 1,613,086 alleles (0.000062%); highest among the groups gnomAD compares: South Asian, 0.0011%; no homozygotes.

Submission:

Labcorp Genetics (formerly Invitae), Labcorp
Classification: Uncertain significance for Larsen-like syndrome, B3GAT3 type. Last evaluated: 2021-05-27. Review status: criteria provided, single submitter. Criteria: Invitae Variant Classification Sherloc (09022015). Collection method: clinical testing. Allele origin: germline.
Comment: In summary, the available evidence is currently insufficient to determine the role of this variant in disease. Therefore, it has been classified as a Variant of Uncertain Significance. Algorithms developed to predict the effect of missense changes on protein structure and function (SIFT, PolyPhen-2, Align-GVGD) all suggest that this variant is likely to be tolerated, but these predictions have not been confirmed by published functional studies and their clinical significance is uncertain. This variant has not been reported in the literature in individuals with B3GAT3-related conditions. This variant is not present in population databases (ExAC no frequency). This sequence change replaces alanine with threonine at codon 11 of the B3GAT3 protein (p.Ala11Thr). The alanine residue is weakly conserved and there is a small physicochemical difference between alanine and threonine.